The following is an entry in ClinVar:

ClinVar aggregate classification (germline): Likely pathogenic (1 of 4 stars; one submission).

Conditions:
Pontocerebellar hypoplasia type 2D (PCH2D). Also called: Progressive cerebello-cerebral atrophy. Identifiers: Orphanet 247198, Orphanet 2524, MedGen C3151140, MONDO:0013438, OMIM 613811.

Submission:

Natera, Inc.
Classification: Likely pathogenic for Pontocerebellar hypoplasia type 2d. Last evaluated: 2025-12-29. Review status: criteria provided, single submitter. Criteria: Natera Variant Classification Schema (03/2026). Collection method: clinical testing. Allele origin: germline.
Comment: The c.631G>T variant in SEPSECS is a nonsense variant predicted to introduce a stop codon at amino acid 211. This variant is expected to result in nonsense mediated decay, truncation, or a dysfunctional protein product. This variant is rare in the general population with a frequency below the threshold expected for the associated phenotype(s). Given the available evidence, this variant is classified as Likely Pathogenic.

NM_016955.4(SEPSECS):c.631G>T (p.Glu211Ter)

Gene: SEPSECS (Sep (O-phosphoserine) tRNA:Sec (selenocysteine) tRNA synthase; minus strand). Cytogenetic location: 4p15.2.
Variant type: single nucleotide variant.
Coding change: c.631G>T on transcript NM_016955.4 (MANE Select); coding-DNA position 631, G replaced by T.
Protein change: p.Glu211Ter; replaces glutamic acid 211 with a stop codon.
Molecular consequence: nonsense.
Genome position (GRCh38, 1-based): chr4:25,155,068, C>A on the plus strand (G>T on the coding strand, the complement: SEPSECS is on the minus strand). VCF-style: chr4-25155068-C-A. GRCh37 (hg19) VCF-style: chr4-25156690-C-A.
Other names: c.886G>T, p.Glu296Ter (NM_001410714.1); short protein forms E211*, E296*.
Identifiers: ClinVar variation 4815893 (VCV004815893.1).
Genomic context (GRCh38, chr4:25,155,068, plus strand): 5'-CCCTTGGAGCAAAACAGGATGTAGTAGAATGAATACACAGAATGCAATCAGGCCCAAGTT[C>A]CTGGACTTTAGCCTCCACTGCTTTCAGGTCTGTACGCAGCTCGTCACCTTCCAAAACATT-3'